The following is an entry in ClinVar:

NM_033380.3(COL4A5):c.4995-1G>T

Gene: COL4A5 (collagen type IV alpha 5 chain; plus strand). Cytogenetic location: Xq22.3.
Variant type: single nucleotide variant.
Coding change: c.4995-1G>T on transcript NM_033380.3 (MANE Select); the canonical splice acceptor site of the intron before coding-DNA position 4995, G replaced by T.
Molecular consequence: splice acceptor variant.
Genome position (GRCh38, 1-based): chrX:108,696,296, G>T. VCF-style: chrX-108696296-G-T. GRCh37 (hg19) VCF-style: chrX-107939526-G-T.
Other names: c.4977-1G>T (NM_000495.5).
Identifiers: ClinVar variation 1301329 (VCV001301329.9), dbSNP rs2148003624, ClinGen allele CA414133027.

ClinVar aggregate classification (germline): Pathogenic/Likely pathogenic. Review status: criteria provided, multiple submitters, no conflicts (2 of 4 stars). 2 submissions from 2 submitters: Pathogenic (1); Likely pathogenic (1). Last evaluated 2021-09-21.

Conditions:
X-linked Alport syndrome (ATS1). Also called: NEPHROPATHY AND DEAFNESS, X-LINKED; COL4A5-Related Nephropathy. Identifiers: Orphanet 63, Orphanet 88917, MedGen C4746986, MONDO:0010520, OMIM 301050.

Submissions (2):

Women's Health and Genetics/Laboratory Corporation of America, LabCorp
Classification: Likely pathogenic for X-linked Alport syndrome. Last evaluated: 2021-09-21. Review status: criteria provided, single submitter. Criteria: LabCorp Variant Classification Summary - May 2015. Collection method: clinical testing. Allele origin: germline.
Comment: Variant summary: COL4A5 c.4977-1G>T is located in a canonical splice-site and is predicted to affect mRNA splicing resulting in a significantly altered protein due to either exon skipping, shortening, or inclusion of intronic material. However, the variant is located in the last intron of the gene, therefore the impact of this variant on gene function and disease is unknown. Several computational tools predict a significant impact on normal splicing: Four predict the variant abolishes a canonical 3' acceptor site. Three predict the variant creates a cryptic 3' acceptor site. However, these predictions have yet to be confirmed by functional studies. The variant was absent in 183319 control chromosomes. To our knowledge, no occurrence of c.4977-1G>T in individuals affected with Alport Syndrome 1, X-Linked Recessive and no experimental evidence demonstrating its impact on protein function have been reported. No clinical diagnostic laboratories have submitted clinical-significance assessments for this variant to ClinVar after 2014. However, a different variant at the same splice-site (c.4977-2A>G), has been reported as pathogenic in clinvar and has been associated with Alport syndrome in HGMD, suggesting variants affecting this splice-site will impact protein function. Based on the evidence outlined above, the variant was classified as likely pathogenic.

Labcorp Genetics (formerly Invitae), Labcorp
Classification: Pathogenic. Last evaluated: 2021-03-11. Review status: criteria provided, single submitter. Criteria: Invitae Variant Classification Sherloc (09022015). Collection method: clinical testing. Allele origin: germline.
Comment: For these reasons, this variant has been classified as Pathogenic. Nucleotide substitutions within the consensus splice site are a relatively common cause of aberrant splicing (PMID: 17576681, 9536098). Studies have shown that this variant results in abnormal splicing in a cryptic acceptor site within exon 51, which introduces a new termination codon (PMID: 7485125). However the mRNA is not expected to undergo nonsense-mediated decay. Disruption of this splice site has been observed in individual(s) with Alport syndrome (PMID: 30577881, 7485125, Invitae). This variant is not present in population databases (ExAC no frequency). This sequence change affects an acceptor splice site in intron 50 of the COL4A5 gene. RNA analysis indicates that this variant induces altered splicing and likely disrupts the C-terminus of the protein.

Literature cited by the submitters: PubMed 17576681 (cited by Labcorp Genetics (formerly Invitae), Labcorp); PubMed 9536098 (cited by Labcorp Genetics (formerly Invitae), Labcorp); PubMed 7485125 (cited by Labcorp Genetics (formerly Invitae), Labcorp); PubMed 30577881 (cited by Labcorp Genetics (formerly Invitae), Labcorp).